The following is an entry in ClinVar:

ClinVar aggregate classification (germline): Uncertain significance. Review status: criteria provided, single submitter (1 of 4 stars). 2 submissions from 2 submitters: Uncertain significance (1). 1 of the submissions does not count toward it. Last evaluated 2024-10-11.

Conditions:
ZNF81-related disorder. Also called: ZNF81-related condition.

Allele frequency attached by ClinVar (database versions not stated): gnomAD exomes 0.00006; ExAC 0.00009; ESP Exome Variant Server 0.00040; gnomAD 0.00043; TOPMed 0.00062.

Submissions (2):

Ambry Genetics
Classification: Uncertain significance. Last evaluated: 2024-10-11. Review status: criteria provided, single submitter. Criteria: Ambry Variant Classification Scheme 2023. Collection method: clinical testing. Allele origin: germline.

PreventionGenetics, part of Exact Sciences
Classification: Likely benign for ZNF81-related condition. Last evaluated: 2021-08-07. Review status: no assertion criteria provided. Collection method: clinical testing. Allele origin: germline. Not counted in ClinVar's aggregate classification.
Comment: This variant is classified as likely benign based on ACMG/AMP sequence variant interpretation guidelines (Richards et al. 2015 PMID: 25741868, with internal and published modifications).

NM_007137.5(ZNF81):c.1038T>G (p.Ile346Met)

Gene: ZNF81 (zinc finger protein 81; plus strand). Cytogenetic location: Xp11.23.
Variant type: single nucleotide variant.
Coding change: c.1038T>G on transcript NM_007137.5 (MANE Select); coding-DNA position 1038, T replaced by G.
Protein change: p.Ile346Met; replaces isoleucine 346 with methionine.
Molecular consequence: missense variant. On other transcripts: intron variant (2).
Genome position (GRCh38, 1-based): chrX:47,915,684, T>G. VCF-style: chrX-47915684-T-G. GRCh37 (hg19) VCF-style: chrX-47775083-T-G.
Other names: c.1038T>G, p.Ile346Met (NM_001378152.1, NM_001378153.1); c.278-8240T>G (NM_001378154.1); c.278-5624T>G (NM_001378155.1); short protein forms I346M.
Identifiers: ClinVar variation 2219628 (VCV002219628.5), dbSNP rs200110538, ClinGen allele CA10399949.
Genomic context (GRCh38, chrX:47,915,684, plus strand): 5'-TGAAAAACTCTACATATGTACTAAATGTGGGAAGGCCTTCATCCAGAATTCAGAATTAAT[T>G]ATGCATGAGAAAACTCATACTAGAGAGAAACCCTATAAATGCAATGAATGTGGGAAATCA-3'
Protein context (NP_009068.2, residues 336-356): GKAFIQNSEL[Ile346Met]MHEKTHTREK